The following is an entry in ClinVar:

ClinVar aggregate classification (germline): Likely pathogenic (1 of 4 stars; one submission).

Conditions:
Leber congenital amaurosis (LCA). Also called: Leber's amaurosis. Identifiers: Orphanet 65, MedGen C0339527, MeSH D057130, MONDO:0018998.

Submission:

Natera, Inc.
Classification: Likely pathogenic for Leber congenital amaurosis. Last evaluated: 2025-05-21. Review status: criteria provided, single submitter. Criteria: Natera Variant Classification Schema (03/2026). Collection method: clinical testing. Allele origin: germline.
Comment: The c.1056_1058delGGTinsAGTG variant in RPE65 is a frameshift variant predicted to shift the reading frame beginning at codon 354 and leads to a stop codon 11 codons downstream. This variant is expected to result in nonsense mediated decay, truncation, or a dysfunctional protein product. This variant is rare in the general population with a frequency below the threshold expected for the associated phenotype(s). Given the available evidence, this variant is classified as Likely Pathogenic.

NM_000329.3(RPE65):c.1056_1058delinsAGTG (p.Lys354fs)

Gene: RPE65 (retinoid isomerohydrolase RPE65; minus strand). Cytogenetic location: 1p31.3.
Variant type: Indel.
Coding change: c.1056_1058delinsAGTG on transcript NM_000329.3 (MANE Select); coding-DNA positions 1056 to 1058, GGT replaced by AGTG.
Protein change: p.Lys354fs; shifts the reading frame from lysine 354.
Molecular consequence: frameshift variant.
Genome position (GRCh38, 1-based): chr1:68,438,257-68,438,259, ACC replaced by CACT on the plus strand (GGT replaced by AGTG on the coding strand, the reverse complement: RPE65 is on the minus strand). VCF-style: chr1-68438257-ACC-CACT. GRCh37 (hg19) VCF-style: chr1-68903940-ACC-CACT.
Other names: c.948_950delinsAGTG, p.Lys318fs (NM_001406853.1); c.780_782delinsAGTG, p.Lys262fs (NM_001406856.1, NM_001406857.1); c.1056_1058delinsAGTG, p.Lys354fs (NM_001406859.1); short protein forms K262fs, K318fs, K354fs.
Identifiers: ClinVar variation 4818164 (VCV004818164.1).